The following is an entry in ClinVar:

ClinVar aggregate classification (germline): Uncertain significance. Review status: criteria provided, multiple submitters, no conflicts (2 of 4 stars). 5 submissions from 5 submitters: Uncertain significance (5). Last evaluated 2024-10-11.

Conditions:
Inborn genetic diseases. Identifiers: MedGen C0950123, MeSH D030342.

Allele frequency attached by ClinVar (database versions not stated): gnomAD 0.00008 and 0.00010; TOPMed 0.00009; gnomAD exomes 0.00017; ExAC 0.00023.
gnomAD v4.1: 179 of 1,611,112 alleles (0.011%); highest among the groups gnomAD compares: South Asian, 0.056%; 1 homozygote.

Submissions (5):

Blueprint Genetics
Classification: Uncertain significance. Last evaluated: 2024-10-11. Review status: criteria provided, single submitter. Criteria: ACMG Guidelines, 2015. Collection method: clinical testing. Allele origin: germline.

Ambry Genetics
Classification: Uncertain significance for Inborn genetic diseases. Last evaluated: 2024-05-20. Review status: criteria provided, single submitter. Criteria: Ambry Variant Classification Scheme 2023. Collection method: clinical testing. Allele origin: germline.

Labcorp Genetics (formerly Invitae), Labcorp
Classification: Uncertain significance. Last evaluated: 2021-10-19. Review status: criteria provided, single submitter. Criteria: Invitae Variant Classification Sherloc (09022015). Collection method: clinical testing. Allele origin: germline.
Comment: This sequence change replaces glycine, which is neutral and non-polar, with alanine, which is neutral and non-polar, at codon 219 of the SPEG protein (p.Gly219Ala). This variant is present in population databases (rs774031648, gnomAD 0.05%). This variant has not been reported in the literature in individuals affected with SPEG-related conditions. ClinVar contains an entry for this variant (Variation ID: 444551). Algorithms developed to predict the effect of missense changes on protein structure and function are either unavailable or do not agree on the potential impact of this missense change (SIFT: "Deleterious"; PolyPhen-2: "Benign"; Align-GVGD: "Class C55"). In summary, the available evidence is currently insufficient to determine the role of this variant in disease. Therefore, it has been classified as a Variant of Uncertain Significance.

CeGaT Center for Human Genetics Tuebingen
Classification: Uncertain significance. Last evaluated: 2017-04-01. Review status: criteria provided, single submitter. Criteria: CeGaT Center For Human Genetics Tuebingen Variant Classification Criteria Version 2. Collection method: clinical testing. Allele origin: germline. Affected: yes. Observed: 1 variant allele.

Breakthrough Genomics
Classification: Uncertain significance. Review status: criteria provided, single submitter. Criteria: ACMG Guidelines, 2015. Collection method: not provided. Allele origin: germline. Inheritance: Autosomal recessive inheritance. Affected: yes.

NM_005876.5(SPEG):c.656G>C (p.Gly219Ala)

Gene: SPEG (striated muscle enriched protein kinase; plus strand). Cytogenetic location: 2q35.
Variant type: single nucleotide variant.
Coding change: c.656G>C on transcript NM_005876.5 (MANE Select); coding-DNA position 656, G replaced by C.
Protein change: p.Gly219Ala; replaces glycine 219 with alanine.
Molecular consequence: missense variant.
Genome position (GRCh38, 1-based): chr2:219,445,002, G>C. VCF-style: chr2-219445002-G-C. GRCh37 (hg19) VCF-style: chr2-220309724-G-C.
Other names: c.656G>C (NM_005876.4); short protein forms G219A.
Identifiers: ClinVar variation 444551 (VCV000444551.48), dbSNP rs774031648, ClinGen allele CA2125542.